The following is an entry in ClinVar:

ClinVar aggregate classification (germline): Uncertain significance (1 of 4 stars; one submission).

Allele frequency attached by ClinVar (database versions not stated): TOPMed below 0.00001.

Submission:

GeneDx
Classification: Uncertain significance. Last evaluated: 2023-10-16. Review status: criteria provided, single submitter. Criteria: GeneDx Variant Classification Process June 2021. Collection method: clinical testing. Allele origin: germline. Affected: yes.
Comment: Not observed at significant frequency in large population cohorts (gnomAD); In silico analysis supports that this missense variant has a deleterious effect on protein structure/function; Has not been previously published as pathogenic or benign to our knowledge

NM_001374353.1(GLI2):c.347A>T (p.Asn116Ile)

Gene: GLI2 (GLI family zinc finger 2; plus strand). Cytogenetic location: 2q14.2.
Variant type: single nucleotide variant.
Coding change: c.347A>T on transcript NM_001374353.1 (MANE Select); coding-DNA position 347, A replaced by T.
Protein change: p.Asn116Ile; replaces asparagine 116 with isoleucine.
Molecular consequence: missense variant. On other transcripts: 5 prime UTR variant (1).
Genome position (GRCh38, 1-based): chr2:120,951,335, A>T. VCF-style: chr2-120951335-A-T. GRCh37 (hg19) VCF-style: chr2-121708911-A-T.
Other names: c.347A>T, p.Asn116Ile (NM_001371271.1, NM_005270.5); c.-29A>T (NM_001374354.1); short protein forms N116I.
Identifiers: ClinVar variation 3253042 (VCV003253042.1), dbSNP rs1680979157.